The following is an entry in ClinVar:

ClinVar aggregate classification (germline): Uncertain significance. Review status: criteria provided, multiple submitters, no conflicts (2 of 4 stars). 2 submissions from 2 submitters: Uncertain significance (2). Last evaluated 2026-05-28.

Conditions:
Developmental and epileptic encephalopathy, 42 (DEE42A). Also called: Epileptic encephalopathy, early infantile, 42; DEVELOPMENTAL AND EPILEPTIC ENCEPHALOPATHY 42A; EPILEPTIC ENCEPHALOPATHY, EARLY INFANTILE, 42A. Identifiers: MedGen C4310716, MONDO:0014917, OMIM 617106.
Episodic ataxia type 2 (EA2). Also called: ACETAZOLAMIDE-RESPONSIVE HEREDITARY PAROXYSMAL CEREBELLAR ATAXIA; ATAXIA, EPISODIC, WITH NYSTAGMUS; ATAXIA, FAMILIAL PAROXYSMAL; CEREBELLAR ATAXIA, PAROXYSMAL, ACETAZOLAMIDE-RESPONSIVE; CEREBELLOPATHY, HEREDITARY PAROXYSMAL; EPISODIC ATAXIA, NYSTAGMUS-ASSOCIATED. Identifiers: Orphanet 97, MedGen C1720416, MONDO:0007163, OMIM 108500.

gnomAD v4.1: 1 of 1,610,984 alleles (0.000062%); highest among the groups gnomAD compares: Non-Finnish European, 0.000085%; no homozygotes.

Submissions (2):

GeneDx
Classification: Uncertain significance. Last evaluated: 2026-05-28. Review status: criteria provided, single submitter. Criteria: GeneDx Variant Classification Process June 2021. Collection method: clinical testing. Allele origin: germline.
Comment: Not observed at significant frequency in large population cohorts (gnomAD); In silico analysis suggests that this missense variant does not alter protein structure/function; Has not been previously published as pathogenic or benign to our knowledge

Labcorp Genetics (formerly Invitae), Labcorp
Classification: Uncertain significance for Developmental and epileptic encephalopathy, 42; Episodic ataxia type 2. Last evaluated: 2024-06-18. Review status: criteria provided, single submitter. Criteria: Invitae Variant Classification Sherloc (09022015). Collection method: clinical testing. Allele origin: germline.
Comment: This sequence change replaces aspartic acid, which is acidic and polar, with asparagine, which is neutral and polar, at codon 1433 of the CACNA1A protein (p.Asp1433Asn). This variant is not present in population databases (gnomAD no frequency). This variant has not been reported in the literature in individuals affected with CACNA1A-related conditions. Advanced modeling of protein sequence and biophysical properties (such as structural, functional, and spatial information, amino acid conservation, physicochemical variation, residue mobility, and thermodynamic stability) performed at Invitae indicates that this missense variant is not expected to disrupt CACNA1A protein function with a negative predictive value of 95%. In summary, the available evidence is currently insufficient to determine the role of this variant in disease. Therefore, it has been classified as a Variant of Uncertain Significance.

NM_001127222.2(CACNA1A):c.4294G>A (p.Asp1432Asn)

Gene: CACNA1A (calcium voltage-gated channel subunit alpha1 A; minus strand). Cytogenetic location: 19p13.13.
Variant type: single nucleotide variant.
Coding change: c.4294G>A on transcript NM_001127222.2 (MANE Select); coding-DNA position 4294, G replaced by A.
Protein change: p.Asp1432Asn; replaces aspartic acid 1432 with asparagine.
Molecular consequence: missense variant.
Genome position (GRCh38, 1-based): chr19:13,259,658, C>T on the plus strand (G>A on the coding strand, the complement: CACNA1A is on the minus strand). VCF-style: chr19-13259658-C-T. GRCh37 (hg19) VCF-style: chr19-13370472-C-T.
Other names: c.4306G>A, p.Asp1436Asn (NM_000068.4, NM_023035.3); c.4297G>A, p.Asp1433Asn (NM_001127221.2, NM_001174080.2); short protein forms D1432N, D1433N, D1436N.
Identifiers: ClinVar variation 3392690 (VCV003392690.4).